The following is an entry in ClinVar:

ClinVar aggregate classification (germline): Uncertain significance (1 of 4 stars; one submission).

Conditions:
Inclusion body myopathy with Paget disease of bone and frontotemporal dementia. Also called: Inclusion body myopathy with early-onset Paget disease and frontotemporal dementia. Identifiers: Orphanet 52430, MedGen C1833662, MONDO:0000507.
Frontotemporal dementia and/or amyotrophic lateral sclerosis 6 (FTDALS6). Also called: VCP-Related Amyotrophic Lateral Sclerosis; VCP-Related Amyotrophic Lateral Sclerosis/Frontotemporal Dementia. Identifiers: Orphanet 275872, Orphanet 803, MedGen C5436279, MONDO:0013501, OMIM 613954.

Submission:

Labcorp Genetics (formerly Invitae), Labcorp
Classification: Uncertain significance for Inclusion body myopathy with Paget disease of bone and frontotemporal dementia; Frontotemporal dementia and/or amyotrophic lateral sclerosis 6. Last evaluated: 2025-03-31. Review status: criteria provided, single submitter. Criteria: Invitae Variant Classification Sherloc (09022015). Collection method: clinical testing. Allele origin: germline.
Comment: This sequence change falls in intron 13 of the VCP gene. It does not directly change the encoded amino acid sequence of the VCP protein. Information on the frequency of this variant in the gnomAD database is not available, as this variant may be reported differently in the database. This variant has not been reported in the literature in individuals affected with VCP-related conditions. Experimental studies and prediction algorithms are not available or were not evaluated, and the effect of this variant on mRNA splicing is currently unknown. In summary, the available evidence is currently insufficient to determine the role of this variant in disease. Therefore, it has been classified as a Variant of Uncertain Significance.

NM_007126.5(VCP):c.1695+7_1695+8delinsCG

Gene: VCP (valosin containing protein; minus strand). Cytogenetic location: 9p13.3.
Variant type: Indel.
Coding change: c.1695+7_1695+8delinsCG on transcript NM_007126.5 (MANE Select); bases 7 to 8 of the intron after coding-DNA position 1695, TA replaced by CG.
Molecular consequence: intron variant.
Genome position (GRCh38, 1-based): chr9:35,060,305-35,060,306, TA replaced by CG on the plus strand (TA replaced by CG on the coding strand, the reverse complement: VCP is on the minus strand). VCF-style: chr9-35060305-TA-CG. GRCh37 (hg19) VCF-style: chr9-35060302-TA-CG.
Other names: c.1560+7_1560+8delinsCG (NM_001354927.2, NM_001354928.2).
Identifiers: ClinVar variation 4784594 (VCV004784594.1).